The following is an entry in ClinVar:

NM_024496.4(IRF2BPL):c.562C>T (p.Arg188Ter)

Gene: IRF2BPL (interferon regulatory factor 2 binding protein like; minus strand). Cytogenetic location: 14q24.3.
Variant type: single nucleotide variant.
Coding change: c.562C>T on transcript NM_024496.4 (MANE Select); coding-DNA position 562, C replaced by T.
Protein change: p.Arg188Ter; replaces arginine 188 with a stop codon.
Molecular consequence: nonsense.
Genome position (GRCh38, 1-based): chr14:77,027,231, G>A on the plus strand (C>T on the coding strand, the complement: IRF2BPL is on the minus strand). VCF-style: chr14-77027231-G-A. GRCh37 (hg19) VCF-style: chr14-77493574-G-A.
Other names: short protein forms R188*.
Identifiers: ClinVar variation 559608 (VCV000559608.40), dbSNP rs1345176461, ClinGen allele CA390499091.

ClinVar aggregate classification (germline): Pathogenic/Likely pathogenic. Review status: criteria provided, multiple submitters, no conflicts (2 of 4 stars). 7 submissions from 7 submitters: Pathogenic (5); Likely pathogenic (1). 1 of the submissions does not count toward it. Last evaluated 2025-01-16.

Conditions:
IRF2BPL-related disorder. Also called: IRF2BPL-related condition. Identifiers: MedGen CN381093.
Neurodevelopmental disorder with regression, abnormal movements, loss of speech, and seizures. Identifiers: Orphanet 597623, MedGen C4748127, MONDO:0060759, OMIM 618088.
Inborn genetic diseases. Identifiers: MedGen C0950123, MeSH D030342.

Allele frequency attached by ClinVar (database versions not stated): gnomAD exomes below 0.00001.

Submissions (7):

3billion
Classification: Pathogenic for Neurodevelopmental disorder with regression, abnormal movements, loss of speech, and seizures. Last evaluated: 2025-01-16. Review status: criteria provided, single submitter. Criteria: ACMG Guidelines, 2015. Collection method: clinical testing. Allele origin: germline. Affected: yes.
Comment: The variant is not observed in the gnomAD v4.1.0 dataset. Predicted Consequence/Location: Stop-gained (nonsense): predicted to result in a loss or disruption of normal protein function through protein truncation. The predicted truncated protein may be shortened by more than 10%. Functional studies provide moderate evidence of the variant having a damaging effect on the gene or gene product (PMID: 30057031). The variant has been reported at least twice as pathogenic with clinical assertions and evidence for the classification (ClinVar ID: VCV000559608 /PMID: 30057031 /3billion dataset). Therefore, this variant is classified as Pathogenic (PVS1_S, PS2_S, PS3_M, PM2_M, PP5_S) according to the recommendation of ACMG/AMP guideline.

Neurometabolic Diseases Laboratory, Bellvitge Biomedical Research Institute (IDIBELL)
Classification: Pathogenic for Neurodevelopmental disorder with regression, abnormal movements, loss of speech, and seizures. Last evaluated: 2023-04-27. Review status: criteria provided, single submitter. Criteria: ACMG Guidelines, 2015. Collection method: research. Allele origin: germline. Affected: yes. Observed: 2 variant alleles.

Mendelics
Classification: Pathogenic for Neurodevelopmental disorder with regression, abnormal movements, loss of speech, and seizures. Last evaluated: 2019-05-28. Review status: criteria provided, single submitter. Criteria: Mendelics Assertion Criteria 2017. Collection method: clinical testing. Allele origin: unknown.

Genetic Services Laboratory, University of Chicago
Classification: Pathogenic. Last evaluated: 2019-05-02. Review status: criteria provided, single submitter. Criteria: ACMG Guidelines, 2015. Collection method: clinical testing. Allele origin: germline. Affected: yes.
Comment: DNA sequence analysis of the IRF2BPL gene demonstrated a pathogenic sequence change, c.562C>T, which results in the creation of a premature stop codon at amino acid position 188, p.Arg188*. This pathogenic sequence change is predicted to result in an abnormal transcript, which may be degraded, or may lead to the production of a truncated IRF2BPL protein with potentially abnormal function. This variant is absent from the ExAC population database. This particular sequence change has previously been described in the heterozygous state in two patients with movement abnormalities including dystonia and ataxia, and was confirmed de novo in one of the two patients (Marcogliese et. al., 2018). Patients with nonsense variants in this gene were reported to have a clinical course that included loss of developmental milestones, and onset of seizure disorders at variable ages, and movement disorders with dystonia, choreoathetosis, and cerebellar signs such as ataxia, and dysarthria. (Marcogliese et. al., 2018).

Ambry Genetics
Classification: Pathogenic for Inborn genetic diseases. Last evaluated: 2018-08-01. Review status: criteria provided, single submitter. Criteria: Ambry exome assertion method (8-5-2015). Collection method: clinical testing. Allele origin: germline. Affected: yes. Observed: 1 variant allele.

Undiagnosed Diseases Network, NIH
Classification: Likely pathogenic for IRF2BPL-related condition. Last evaluated: 2017-10-30. Review status: criteria provided, single submitter. Criteria: ACMG Guidelines, 2015. Collection method: clinical testing. Allele origin: de novo. Inheritance: Autosomal dominant inheritance. Affected: yes. Observed: 1 variant allele, 1 heterozygote. Study: Undiagnosed Diseases Network (NIH), UDN.

OMIM
Classification: Pathogenic for NEURODEVELOPMENTAL DISORDER WITH REGRESSION, ABNORMAL MOVEMENTS, LOSS OF SPEECH, AND SEIZURES. Last evaluated: 2018-12-20. Review status: no assertion criteria provided. Collection method: literature only. Allele origin: germline. Not counted in ClinVar's aggregate classification.

Literature cited by the submitters: PubMed 30057031 (cited by 3 submitters).